The following is an entry in ClinVar:

ClinVar aggregate classification (germline): Uncertain significance (1 of 4 stars; one submission).

Conditions:
Nephrolithiasis/nephrocalcinosis. Identifiers: MedGen CN580796.

Allele frequency attached by ClinVar (database versions not stated): gnomAD exomes below 0.00001.
gnomAD v4.1: 4 of 1,614,118 alleles (0.00025%); highest among the groups gnomAD compares: Non-Finnish European, 0.00034%; no homozygotes.

Submission:

Ambry Genetics
Classification: Uncertain significance for Nephrolithiasis/nephrocalcinosis. Last evaluated: 2021-07-31. Review status: criteria provided, single submitter. Criteria: Ambry Variant Classification Scheme 2023. Collection method: clinical testing. Allele origin: germline.
Comment: The p.T868N variant (also known as c.2603C>A), located in coding exon 6 of the CASR gene, results from a C to A substitution at nucleotide position 2603. The threonine at codon 868 is replaced by asparagine, an amino acid with similar properties. This amino acid position is conserved. In addition, the in silico prediction for this alteration is inconclusive. Since supporting evidence is limited at this time, the clinical significance of this alteration remains unclear.

NM_000388.4(CASR):c.2603C>A (p.Thr868Asn)

Gene: CASR (calcium sensing receptor; plus strand). Cytogenetic location: 3q21.1.
Variant type: single nucleotide variant.
Coding change: c.2603C>A on transcript NM_000388.4 (MANE Select); coding-DNA position 2603, C replaced by A.
Protein change: p.Thr868Asn; replaces threonine 868 with asparagine.
Molecular consequence: missense variant.
Genome position (GRCh38, 1-based): chr3:122,284,557, C>A. VCF-style: chr3-122284557-C-A. GRCh37 (hg19) VCF-style: chr3-122003404-C-A.
Other names: c.2633C>A, p.Thr878Asn (NM_001178065.2); short protein forms T878N, T868N.
Identifiers: ClinVar variation 1793700 (VCV001793700.2), dbSNP rs2107650807, ClinGen allele CA354160385.
Genomic context (GRCh38, chr3:122,284,557, plus strand): 5'-TGCTGGCGTGCATCTTCTTCAACAAGATCTACATCATTCTCTTCAAGCCATCCCGCAACA[C>A]CATCGAGGAGGTGCGTTGCAGCACCGCAGCTCACGCTTTCAAGGTGGCTGCCCGGGCCAC-3'
Protein context (NP_000379.3, residues 858-878): YIILFKPSRN[Thr868Asn]IEEVRCSTAA